The following is an entry in ClinVar:

NM_014324.6(AMACR):c.1097A>G (p.Gln366Arg)

Genes: C1QTNF3-AMACR (C1QTNF3-AMACR readthrough (NMD candidate); minus strand), AMACR (alpha-methylacyl-CoA racemase; minus strand). Cytogenetic location: 5p13.2.
Variant type: single nucleotide variant.
Coding change: c.1097A>G on transcript NM_014324.6 (MANE Select); coding-DNA position 1097, A replaced by G.
Protein change: p.Gln366Arg; replaces glutamine 366 with arginine.
Molecular consequence: missense variant. On other transcripts: non-coding transcript variant (1), 3 prime UTR variant (1).
Genome position (GRCh38, 1-based): chr5:33,989,145, T>C on the plus strand (A>G on the coding strand, the complement: AMACR is on the minus strand). VCF-style: chr5-33989145-T-C. GRCh37 (hg19) VCF-style: chr5-33989250-T-C.
Other names: p.Gln366Arg; c.1097A>G, p.Gln366Arg (NM_001167595.2); c.*339A>G (NM_203382.3); c.1097A>G (NM_014324.5); short protein forms Q366R.
Identifiers: ClinVar variation 1470318 (VCV001470318.10), dbSNP rs773780297, ClinGen allele CA359398644.

ClinVar aggregate classification (germline): Uncertain significance. Review status: criteria provided, multiple submitters, no conflicts (2 of 4 stars). 3 submissions from 3 submitters: Uncertain significance (3). Last evaluated 2025-01-19.

Conditions:
Inborn genetic diseases. Identifiers: MedGen C0950123, MeSH D030342.
Alpha-methylacyl-CoA racemase deficiency (AMACRD). Also called: AMACR deficiency. Identifiers: Orphanet 79095, MedGen C3280428, MONDO:0013681, OMIM 614307. Disease mechanism: loss of function.

Allele frequency attached by ClinVar (database versions not stated): TOPMed 0.00001.
gnomAD v4.1: 8 of 1,614,198 alleles (0.0005%); highest among the groups gnomAD compares: Non-Finnish European, 0.00068%; no homozygotes.

Submissions (3):

Ambry Genetics
Classification: Uncertain significance for Inborn genetic diseases. Last evaluated: 2025-01-19. Review status: criteria provided, single submitter. Criteria: Ambry Variant Classification Scheme 2023. Collection method: clinical testing. Allele origin: germline.

Labcorp Genetics (formerly Invitae), Labcorp
Classification: Uncertain significance for Alpha-methylacyl-CoA racemase deficiency. Last evaluated: 2022-07-19. Review status: criteria provided, single submitter. Criteria: Invitae Variant Classification Sherloc (09022015). Collection method: clinical testing. Allele origin: germline.
Comment: This sequence change replaces glutamine, which is neutral and polar, with arginine, which is basic and polar, at codon 366 of the AMACR protein (p.Gln366Arg). This variant is not present in population databases (gnomAD no frequency). This variant has not been reported in the literature in individuals affected with AMACR-related conditions. ClinVar contains an entry for this variant (Variation ID: 1470318). Algorithms developed to predict the effect of missense changes on protein structure and function (SIFT, PolyPhen-2, Align-GVGD) all suggest that this variant is likely to be tolerated. In summary, the available evidence is currently insufficient to determine the role of this variant in disease. Therefore, it has been classified as a Variant of Uncertain Significance.

Mayo Clinic Laboratories, Mayo Clinic
Classification: Uncertain significance. Last evaluated: 2021-12-03. Review status: criteria provided, single submitter. Criteria: ACMG Guidelines, 2015. Collection method: clinical testing. Allele origin: germline.